The following is an entry in ClinVar:

NM_022081.6(HPS4):c.437T>C (p.Ile146Thr)

Gene: HPS4 (HPS4 biogenesis of lysosomal organelles complex 3 subunit 2; minus strand). Cytogenetic location: 22q12.1.
Variant type: single nucleotide variant.
Coding change: c.437T>C on transcript NM_022081.6 (MANE Select); coding-DNA position 437, T replaced by C.
Protein change: p.Ile146Thr; replaces isoleucine 146 with threonine.
Molecular consequence: missense variant. On other transcripts: non-coding transcript variant (8).
Genome position (GRCh38, 1-based): chr22:26,472,366, A>G on the plus strand (T>C on the coding strand, the complement: HPS4 is on the minus strand). VCF-style: chr22-26472366-A-G. GRCh37 (hg19) VCF-style: chr22-26868332-A-G.
Other names: c.437T>C, p.Ile146Thr (NM_001349896.1, NM_001349898.2, NM_001349899.2 and 6 more transcripts); c.422T>C, p.Ile141Thr (NM_152841.2); c.437T>C (NM_022081.4); short protein forms I146T, I141T.
Identifiers: ClinVar variation 903601 (VCV000903601.10), dbSNP rs549798245, ClinGen allele CA10163706.

ClinVar aggregate classification (germline): Uncertain significance. Review status: criteria provided, multiple submitters, no conflicts (2 of 4 stars). 4 submissions from 4 submitters: Uncertain significance (4). Last evaluated 2023-06-13.

Conditions:
Hermansky-Pudlak syndrome 4 (HPS4). Identifiers: Orphanet 231500, Orphanet 79430, MedGen C3484357, MONDO:0013556, OMIM 614073.
Inborn genetic diseases. Identifiers: MedGen C0950123, MeSH D030342.

Allele frequency attached by ClinVar (database versions not stated): gnomAD 0.00002; TOPMed 0.00003; gnomAD exomes 0.00004 and 0.00006; ExAC 0.00006.
gnomAD v4.1: 83 of 1,613,974 alleles (0.0051%); highest among the groups gnomAD compares: Non-Finnish European, 0.0069%; no homozygotes.

Submissions (4):

Blueprint Genetics
Classification: Uncertain significance. Last evaluated: 2023-06-13. Review status: criteria provided, single submitter. Criteria: ACMG Guidelines, 2015. Collection method: clinical testing. Allele origin: germline.

Ambry Genetics
Classification: Uncertain significance for Inborn genetic diseases. Last evaluated: 2022-12-01. Review status: criteria provided, single submitter. Criteria: Ambry Variant Classification Scheme 2023. Collection method: clinical testing. Allele origin: germline.

Labcorp Genetics (formerly Invitae), Labcorp
Classification: Uncertain significance. Last evaluated: 2022-08-15. Review status: criteria provided, single submitter. Criteria: Invitae Variant Classification Sherloc (09022015). Collection method: clinical testing. Allele origin: germline.
Comment: This sequence change replaces isoleucine, which is neutral and non-polar, with threonine, which is neutral and polar, at codon 146 of the HPS4 protein (p.Ile146Thr). This variant is present in population databases (rs549798245, gnomAD 0.009%). This variant has not been reported in the literature in individuals affected with HPS4-related conditions. ClinVar contains an entry for this variant (Variation ID: 903601). Algorithms developed to predict the effect of missense changes on protein structure and function (SIFT, PolyPhen-2, Align-GVGD) all suggest that this variant is likely to be disruptive. In summary, the available evidence is currently insufficient to determine the role of this variant in disease. Therefore, it has been classified as a Variant of Uncertain Significance.

Illumina Laboratory Services, Illumina
Classification: Uncertain significance for Hermansky-Pudlak syndrome 4. Last evaluated: 2018-01-13. Review status: criteria provided, single submitter. Criteria: ICSL Variant Classification Criteria 13 December 2019. Collection method: clinical testing. Allele origin: germline.